The following is an entry in ClinVar:

NM_004364.5(CEBPA):c.378G>T (p.Gly126=)

Gene: CEBPA (CCAAT enhancer binding protein alpha; minus strand). Cytogenetic location: 19q13.11.
Variant type: single nucleotide variant.
Coding change: c.378G>T on transcript NM_004364.5 (MANE Select); coding-DNA position 378, G replaced by T.
Protein change: p.Gly126=; no amino-acid change (glycine 126 retained).
Molecular consequence: synonymous variant.
Genome position (GRCh38, 1-based): chr19:33,302,037, C>A on the plus strand (G>T on the coding strand, the complement: CEBPA is on the minus strand). VCF-style: chr19-33302037-C-A. GRCh37 (hg19) VCF-style: chr19-33792943-C-A.
Other names: c.378G>T (NM_004364.3, NM_004364.4); c.21G>T, p.Gly7= (NM_001285829.2); c.483G>T, p.Gly161= (NM_001287424.2); c.336G>T, p.Gly112= (NM_001287435.2).
Identifiers: ClinVar variation 1591882 (VCV001591882.11), dbSNP rs1967186909, ClinGen allele CA507007849.

ClinVar aggregate classification (germline): Likely benign. Review status: criteria provided, multiple submitters, no conflicts (2 of 4 stars). 3 submissions from 3 submitters: Likely benign (2). 1 of the submissions does not count toward it. Last evaluated 2025-11-24.

Conditions:
Inborn genetic diseases. Identifiers: MedGen C0950123, MeSH D030342.
CEBPA-related disorder. Also called: CEBPA-related condition.
Acute myeloid leukemia (AML). Also called: Leukemia, acute myeloid, somatic; Leukemia, acute myelogenous, somatic; Acute myeloid leukemia, adult; AML adult; Acute non-lymphocytic leukemia; Acute granulocytic leukemia. Identifiers: Orphanet 519, MedGen C0023467, MeSH D015470, MONDO:0018874, OMIM 601626, HP:0004808. Disease mechanism: Constitutively activated FLT3.

Submissions (3):

Labcorp Genetics (formerly Invitae), Labcorp
Classification: Likely benign for Acute myeloid leukemia. Last evaluated: 2025-11-24. Review status: criteria provided, single submitter. Criteria: Invitae Variant Classification Sherloc (09022015). Collection method: clinical testing. Allele origin: germline.

Ambry Genetics
Classification: Likely benign for Inborn genetic diseases. Last evaluated: 2025-02-06. Review status: criteria provided, single submitter. Criteria: Ambry Variant Classification Scheme 2023. Collection method: clinical testing. Allele origin: germline.

PreventionGenetics, part of Exact Sciences
Classification: Likely benign for CEBPA-related condition. Last evaluated: 2023-12-06. Review status: no assertion criteria provided. Collection method: clinical testing. Allele origin: germline. Not counted in ClinVar's aggregate classification.
Comment: This variant is classified as likely benign based on ACMG/AMP sequence variant interpretation guidelines (Richards et al. 2015 PMID: 25741868, with internal and published modifications).